The following is an entry in ClinVar:

ClinVar aggregate classification (germline): Uncertain significance (1 of 4 stars; one submission).

Conditions:
Hereditary sensory neuropathy-deafness-dementia syndrome. Also called: NEUROPATHY, HEREDITARY SENSORY, WITH HEARING LOSS AND DEMENTIA; Hereditary Sensory and Autonomic Neuropathy Type 1E (HSAN1E); HSN IE; Hereditary sensory neuropathy type IE. Identifiers: Orphanet 456318, MedGen C3279885, MONDO:0013584, OMIM 614116.

Submission:

Labcorp Genetics (formerly Invitae), Labcorp
Classification: Uncertain significance for Hereditary sensory neuropathy-deafness-dementia syndrome. Last evaluated: 2023-02-04. Review status: criteria provided, single submitter. Criteria: Invitae Variant Classification Sherloc (09022015). Collection method: clinical testing. Allele origin: germline.
Comment: In summary, the available evidence is currently insufficient to determine the role of this variant in disease. Therefore, it has been classified as a Variant of Uncertain Significance. Algorithms developed to predict the effect of missense changes on protein structure and function are either unavailable or do not agree on the potential impact of this missense change (SIFT: "Tolerated"; PolyPhen-2: "Possibly Damaging"; Align-GVGD: "Class C0"). This variant has not been reported in the literature in individuals affected with DNMT1-related conditions. This variant is not present in population databases (gnomAD no frequency). This sequence change replaces threonine, which is neutral and polar, with arginine, which is basic and polar, at codon 184 of the DNMT1 protein (p.Thr184Arg).

NM_001130823.3(DNMT1):c.551C>G (p.Thr184Arg)

Gene: DNMT1 (DNA methyltransferase 1; minus strand). Cytogenetic location: 19p13.2.
Variant type: single nucleotide variant.
Coding change: c.551C>G on transcript NM_001130823.3 (MANE Select); coding-DNA position 551, C replaced by G.
Protein change: p.Thr184Arg; replaces threonine 184 with arginine.
Molecular consequence: missense variant.
Genome position (GRCh38, 1-based): chr19:10,177,310, G>C on the plus strand (C>G on the coding strand, the complement: DNMT1 is on the minus strand). VCF-style: chr19-10177310-G-C. GRCh37 (hg19) VCF-style: chr19-10287986-G-C.
Other names: c.503C>G, p.Thr168Arg (NM_001318730.2, NM_001379.4); c.188C>G, p.Thr63Arg (NM_001318731.2); short protein forms T168R, T63R, T184R.
Identifiers: ClinVar variation 2801552 (VCV002801552.3), dbSNP rs2513883847, ClinGen allele CA403944926.